The following is an entry in ClinVar:

ClinVar aggregate classification (germline): Benign/Likely benign. Review status: criteria provided, multiple submitters, no conflicts (2 of 4 stars). 5 submissions from 5 submitters: Benign (2); Likely benign (3). Last evaluated 2026-09-01.

Conditions:
Inborn genetic diseases. Identifiers: MedGen C0950123, MeSH D030342.
Intellectual disability-microcephaly-strabismus-behavioral abnormalities syndrome. Also called: White-Sutton Syndrome. Identifiers: Orphanet 468678, MedGen C4225351, MONDO:0014606, OMIM 616364.

gnomAD v4.1: 67 of 1,614,080 alleles (0.0042%); highest among the groups gnomAD compares: Admixed American, 0.1%; no homozygotes.

Submissions (5):

CeGaT Center for Human Genetics Tuebingen
Classification: Likely benign. Last evaluated: 2026-09-01. Review status: criteria provided, single submitter. Criteria: CeGaT Center For Human Genetics Tuebingen Variant Classification Criteria Version 2. Collection method: clinical testing. Allele origin: germline. Affected: yes. Observed: 1 variant allele.
Comment: POGZ: BP4, BP7

Genome-Nilou Lab
Classification: Likely benign for Intellectual disability-microcephaly-strabismus-behavioral abnormalities syndrome. Last evaluated: 2023-04-11. Review status: criteria provided, single submitter. Criteria: ACMG Guidelines, 2015. Collection method: clinical testing. Allele origin: germline. Affected: no.

GeneDx
Classification: Benign. Last evaluated: 2020-04-13. Review status: criteria provided, single submitter. Criteria: GeneDx Variant Classification Process June 2021. Collection method: clinical testing. Allele origin: germline. Affected: yes.

Labcorp Genetics (formerly Invitae), Labcorp
Classification: Benign. Last evaluated: 2018-08-08. Review status: criteria provided, single submitter. Criteria: Invitae Variant Classification Sherloc (09022015). Collection method: clinical testing. Allele origin: germline.

Ambry Genetics
Classification: Likely benign for Inborn genetic diseases. Last evaluated: 2017-03-21. Review status: criteria provided, single submitter. Criteria: Ambry Variant Classification Scheme 2023. Collection method: clinical testing. Allele origin: germline.

NM_015100.4(POGZ):c.4104T>A (p.Thr1368=)

Gene: POGZ (pogo transposable element derived with ZNF domain; minus strand). Cytogenetic location: 1q21.3.
Variant type: single nucleotide variant.
Coding change: c.4104T>A on transcript NM_015100.4 (MANE Select); coding-DNA position 4104, T replaced by A.
Protein change: p.Thr1368=; no amino-acid change (threonine 1368 retained).
Molecular consequence: synonymous variant.
Genome position (GRCh38, 1-based): chr1:151,404,931, A>T on the plus strand (T>A on the coding strand, the complement: POGZ is on the minus strand). VCF-style: chr1-151404931-A-T. GRCh37 (hg19) VCF-style: chr1-151377407-A-T.
Other names: c.4077T>A, p.Thr1359= (NM_001194937.2); c.3918T>A, p.Thr1306= (NM_001194938.2); c.3819T>A, p.Thr1273= (NM_145796.4); c.3945T>A, p.Thr1315= (NM_207171.2).
Identifiers: ClinVar variation 589543 (VCV000589543.11), dbSNP rs1571294, ClinGen allele CA1090856.
Genomic context (GRCh38, chr1:151,404,931, plus strand): 5'-AAAGAGCTGGTGAAGACTTTCAGGCTCAATTGTCTCTTCAGGAGATGATCTGGGTCGTGG[A>T]GTGGAAGACTCAGAATGTTCCCCACTCAGCTTCAGTTGCTCCTCTAGGGAGGCAATTAGC-3'
Protein context (NP_055915.2, residues 1358-1378): KLSGEHSESS[Thr1368=]PRPRSSPEET